The following is an entry in ClinVar:

NM_015261.3(NCAPD3):c.4248C>G (p.Pro1416=)

Gene: NCAPD3 (non-SMC condensin II complex subunit D3; minus strand). Cytogenetic location: 11q25.
Variant type: single nucleotide variant.
Coding change: c.4248C>G on transcript NM_015261.3 (MANE Select); coding-DNA position 4248, C replaced by G.
Protein change: p.Pro1416=; no amino-acid change (proline 1416 retained).
Molecular consequence: synonymous variant.
Genome position (GRCh38, 1-based): chr11:134,157,022, G>C on the plus strand (C>G on the coding strand, the complement: NCAPD3 is on the minus strand). VCF-style: chr11-134157022-G-C. GRCh37 (hg19) VCF-style: chr11-134026917-G-C.
Other names: c.4248C>G, p.Pro1416= (NM_001372065.1, NM_001372068.1); c.3834C>G, p.Pro1278= (NM_001372069.1, NM_001372070.1).
Identifiers: ClinVar variation 3043813 (VCV003043813.3), dbSNP rs202009125, ClinGen allele CA6370507.

ClinVar aggregate classification (germline): Likely benign. Review status: criteria provided, single submitter (1 of 4 stars). 2 submissions from 2 submitters: Likely benign (1). 1 of the submissions does not count toward it. Last evaluated 2024-11-26.

Conditions:
NCAPD3-related disorder. Also called: NCAPD3-related condition.

gnomAD v4.1: 764 of 1,611,732 alleles (0.047%); highest among the groups gnomAD compares: Non-Finnish European, 0.012%; 2 homozygotes.

Submissions (2):

Blueprint Genetics
Classification: Likely benign. Last evaluated: 2024-11-26. Review status: criteria provided, single submitter. Criteria: ACMG Guidelines, 2015. Collection method: clinical testing. Allele origin: germline.

PreventionGenetics, part of Exact Sciences
Classification: Likely benign for NCAPD3-related condition. Last evaluated: 2019-06-06. Review status: no assertion criteria provided. Collection method: clinical testing. Allele origin: germline. Not counted in ClinVar's aggregate classification.
Comment: This variant is classified as likely benign based on ACMG/AMP sequence variant interpretation guidelines (Richards et al. 2015 PMID: 25741868, with internal and published modifications).